The following is an entry in ClinVar:

NM_144997.7(FLCN):c.1068G>T (p.Leu356=)

Gene: FLCN (folliculin; minus strand). Cytogenetic location: 17p11.2.
Variant type: single nucleotide variant.
Coding change: c.1068G>T on transcript NM_144997.7 (MANE Select); coding-DNA position 1068, G replaced by T.
Protein change: p.Leu356=; no amino-acid change (leucine 356 retained).
Molecular consequence: synonymous variant.
Genome position (GRCh38, 1-based): chr17:17,217,177, C>A on the plus strand (G>T on the coding strand, the complement: FLCN is on the minus strand). VCF-style: chr17-17217177-C-A. GRCh37 (hg19) VCF-style: chr17-17120491-C-A.
Other names: c.1122G>T, p.Leu374= (NM_001353229.2); c.1068G>T, p.Leu356= (NM_001353230.2, NM_001353231.2).
Identifiers: ClinVar variation 1083440 (VCV001083440.14), dbSNP rs534904034, ClinGen allele CA8416143.

ClinVar aggregate classification (germline): Benign/Likely benign. Review status: criteria provided, multiple submitters, no conflicts (2 of 4 stars). 6 submissions from 6 submitters: Benign (1); Likely benign (4). 1 of the submissions does not count toward it. Last evaluated 2025-02-12.

Conditions:
Hereditary cancer-predisposing syndrome. Also called: Neoplastic Syndromes, Hereditary; Hereditary neoplastic syndrome; Hereditary Cancer Syndrome; Tumor predisposition. Identifiers: Orphanet 140162, MedGen C0027672, MeSH D009386, MONDO:0015356.
Birt-Hogg-Dube syndrome. Also called: Birt Hogg Dubé syndrome. Identifiers: Orphanet 122, MedGen C0346010, MONDO:0800444.
Birt-Hogg-Dube syndrome 1 (BHD1). Also called: FIBROFOLLICULOMAS WITH TRICHODISCOMAS AND ACROCHORDONS. Identifiers: Orphanet 122, MedGen CN375946, MONDO:0800445, OMIM 135150.
FLCN-related disorder. Also called: FLCN-related condition.
17p11.2 microduplication syndrome (PTLS). Also called: CHROMOSOME 17p11.2 DUPLICATION SYNDROME; Potocki-Lupski syndrome; Duplication 17p11.2 syndrome; Potocki-Lupski syndrome (dup(17)(p11.2p11.2)). Identifiers: Orphanet 1713, MedGen C2931246, MONDO:0012574, OMIM 610883.
Familial spontaneous pneumothorax (PSP). Identifiers: Orphanet 2903, MedGen C1868193, MONDO:0008259, OMIM 173600.
Colorectal cancer. Also called: Malignant Colorectal Neoplasm; Colorectal cancer, somatic. Identifiers: MedGen C0346629, MONDO:0005575, OMIM 114500.
Nonpapillary renal cell carcinoma. Identifiers: Orphanet 422526, MedGen CN074294, MONDO:0007763, OMIM 144700.

Allele frequency attached by ClinVar (database versions not stated): gnomAD exomes below 0.00001 and 0.00002; ExAC 0.00003; gnomAD 0.00004; TOPMed 0.00006; 1000 Genomes Project 30x 0.00016; 1000 Genomes Project 0.00020.
gnomAD v4.1: 11 of 1,611,824 alleles (0.00068%); highest among the groups gnomAD compares: African/African-American, 0.013%; no homozygotes.

Submissions (6):

Labcorp Genetics (formerly Invitae), Labcorp
Classification: Likely benign for Birt-Hogg-Dube syndrome. Last evaluated: 2025-02-12. Review status: criteria provided, single submitter. Criteria: Invitae Variant Classification Sherloc (09022015). Collection method: clinical testing. Allele origin: germline.

Myriad Genetics, Inc.
Classification: Benign for Birt-Hogg-Dube syndrome 1. Last evaluated: 2024-10-24. Review status: criteria provided, single submitter. Criteria: Myriad Autosomal Dominant, Autosomal Recessive and X-Linked Classification Criteria (2023). Collection method: clinical testing. Allele origin: unknown.
Comment: This variant is considered benign. This variant is a silent/synonymous amino acid change and it is not expected to impact splicing.

Fulgent Genetics
Classification: Likely benign for Colorectal cancer; Birt-Hogg-Dube syndrome 1; Nonpapillary renal cell carcinoma; Familial spontaneous pneumothorax; 17p11.2 microduplication syndrome. Last evaluated: 2022-04-16. Review status: criteria provided, single submitter. Criteria: ACMG Guidelines, 2015. Collection method: clinical testing. Allele origin: unknown.

Sema4
Classification: Likely benign for Hereditary cancer-predisposing syndrome. Last evaluated: 2021-10-11. Review status: criteria provided, single submitter. Criteria: Sema4 Curation Guidelines. Collection method: curation. Allele origin: germline.

Ambry Genetics
Classification: Likely benign for Hereditary cancer-predisposing syndrome. Last evaluated: 2019-12-18. Review status: criteria provided, single submitter. Criteria: Ambry Variant Classification Scheme 2023. Collection method: clinical testing. Allele origin: germline.

PreventionGenetics, part of Exact Sciences
Classification: Likely benign for FLCN-related condition. Last evaluated: 2023-07-13. Review status: no assertion criteria provided. Collection method: clinical testing. Allele origin: germline. Not counted in ClinVar's aggregate classification.
Comment: This variant is classified as likely benign based on ACMG/AMP sequence variant interpretation guidelines (Richards et al. 2015 PMID: 25741868, with internal and published modifications).